The following is an entry in ClinVar:

NM_174936.4(PCSK9):c.400-7T>C

Gene: PCSK9 (proprotein convertase subtilisin/kexin type 9; plus strand). Cytogenetic location: 1p32.3.
Variant type: single nucleotide variant.
Coding change: c.400-7T>C on transcript NM_174936.4 (MANE Select); 7 bases into the intron before coding-DNA position 400, T replaced by C.
Molecular consequence: intron variant.
Genome position (GRCh38, 1-based): chr1:55,046,516, T>C. VCF-style: chr1-55046516-T-C. GRCh37 (hg19) VCF-style: chr1-55512189-T-C.
Identifiers: ClinVar variation 921265 (VCV000921265.8), dbSNP rs866539996, ClinGen allele CA22797683.

ClinVar aggregate classification (germline): Likely benign. Review status: criteria provided, multiple submitters, no conflicts (2 of 4 stars). 3 submissions from 3 submitters: Likely benign (3). Last evaluated 2024-08-28.

Conditions:
Familial hypercholesterolemia. Also called: Familial hypercholesterolemias; Familial hypercholesterolaemia. Identifiers: MedGen C0020445, MONDO:0005439.
Hypercholesterolemia, autosomal dominant, 3 (FHCL3). Also called: Familial hypercholesterolemia 3; Familial Hypercholesterolemia, Autosomal Dominant, 3; PCSK9-Related Familial Hypercholesterolemia, Autosomal Dominant. Identifiers: MedGen C1863551, MONDO:0011369, OMIM 603776.

Allele frequency attached by ClinVar (database versions not stated): gnomAD exomes below 0.00001 and 0.00001; gnomAD 0.00001.
gnomAD v4.1: 5 of 1,614,058 alleles (0.00031%); highest among the groups gnomAD compares: African/African-American, 0.0013%; no homozygotes.

Submissions (3):

Labcorp Genetics (formerly Invitae), Labcorp
Classification: Likely benign for Hypercholesterolemia, autosomal dominant, 3. Last evaluated: 2024-08-28. Review status: criteria provided, single submitter. Criteria: Invitae Variant Classification Sherloc (09022015). Collection method: clinical testing. Allele origin: germline.

All of Us Research Program, National Institutes of Health
Classification: Likely benign for Hypercholesterolemia, autosomal dominant, 3. Last evaluated: 2023-10-23. Review status: criteria provided, single submitter. Criteria: ACMG Guidelines, 2015. Collection method: clinical testing. Allele origin: germline. Inheritance: Autosomal dominant inheritance. Observed: 3 variant alleles, 3 heterozygotes.
Comment: This study involves interpretation of variants in research participants for the purpose of population health screening. Participant phenotype was not available at the time of variant classification. Additional details can be found in publication PMID: 35346344, PMCID: PMC8962531

Color Diagnostics, LLC DBA Color Health
Classification: Likely benign for Familial hypercholesterolemia. Last evaluated: 2019-02-16. Review status: criteria provided, single submitter. Criteria: ACMG Guidelines, 2015. Collection method: clinical testing. Allele origin: germline.